The following is an entry in ClinVar:

NM_001142966.3(GREB1L):c.1241T>C (p.Val414Ala)

Genes: GREB1L (GREB1 like retinoic acid receptor coactivator; plus strand), GREB1L-AS1 (GREB1L antisense RNA 1; minus strand). Cytogenetic location: 18q11.1.
Variant type: single nucleotide variant.
Coding change: c.1241T>C on transcript NM_001142966.3 (MANE Select); coding-DNA position 1241, T replaced by C.
Protein change: p.Val414Ala; replaces valine 414 with alanine.
Molecular consequence: missense variant.
Genome position (GRCh38, 1-based): chr18:21,444,257, T>C. VCF-style: chr18-21444257-T-C. GRCh37 (hg19) VCF-style: chr18-19024218-T-C.
Other names: c.1370T>C, p.Val457Ala (NM_001410867.1); c.1241T>C, p.Val414Ala (NM_001410868.1); short protein forms V414A, V457A.
Identifiers: ClinVar variation 3631205 (VCV003631205.2).

ClinVar aggregate classification (germline): Uncertain significance (1 of 4 stars; one submission).

gnomAD v4.1: 268 of 1,551,440 alleles (0.017%); highest among the groups gnomAD compares: Non-Finnish European, 0.022%; no homozygotes.

Submission:

Labcorp Genetics (formerly Invitae), Labcorp
Classification: Uncertain significance. Last evaluated: 2024-12-18. Review status: criteria provided, single submitter. Criteria: Invitae Variant Classification Sherloc (09022015). Collection method: clinical testing. Allele origin: germline.
Comment: This sequence change replaces valine, which is neutral and non-polar, with alanine, which is neutral and non-polar, at codon 414 of the GREB1L protein (p.Val414Ala). This variant is present in population databases (rs777013152, gnomAD 0.02%). This missense change has been observed in individual(s) with bilateral echogenic kidneys (PMID: 34906515). An algorithm developed to predict the effect of missense changes on protein structure and function (PolyPhen-2) suggests that this variant is likely to be disruptive. In summary, the available evidence is currently insufficient to determine the role of this variant in disease. Therefore, it has been classified as a Variant of Uncertain Significance.

Literature cited by the submitters: PubMed 34906515.